The following is an entry in ClinVar:

NM_001903.5(CTNNA1):c.1229A>G (p.Asn410Ser)

Gene: CTNNA1 (catenin alpha 1; plus strand). Cytogenetic location: 5q31.2.
Variant type: single nucleotide variant.
Coding change: c.1229A>G on transcript NM_001903.5 (MANE Select); coding-DNA position 1229, A replaced by G.
Protein change: p.Asn410Ser; replaces asparagine 410 with serine.
Molecular consequence: missense variant. On other transcripts: 5 prime UTR variant (5), intron variant (2).
Genome position (GRCh38, 1-based): chr5:138,887,575, A>G. VCF-style: chr5-138887575-A-G. GRCh37 (hg19) VCF-style: chr5-138223264-A-G.
Other names: c.1229A>G, p.Asn410Ser (NM_001290307.3, NM_001323982.2, NM_001323983.1 and 3 more transcripts); c.920A>G, p.Asn307Ser (NM_001290309.3); c.860A>G, p.Asn287Ser (NM_001290310.3); c.119A>G, p.Asn40Ser (NM_001290312.1, NM_001323987.1, NM_001323988.1 and 18 more transcripts); c.-279A>G (NM_001324006.1, NM_001324007.1, NM_001324008.1 and 1 more transcripts); c.-154A>G (NM_001324013.1); c.-58+11978A>G (NM_001324012.1); c.-61+11978A>G (NM_001324010.1); and 1 more; short protein forms N287S, N307S, N40S, N410S.
Identifiers: ClinVar variation 1700590 (VCV001700590.6), dbSNP rs2150032599, ClinGen allele CA361133118.
Genomic context (GRCh38, chr5:138,887,575, plus strand): 5'-TTTCAGATTCTTTCCTGGAAACCAATGTTCCACTTTTGGTATTGATTGAAGCTGCAAAGA[A>G]TGGAAATGAGAAAGAAGTTAAGGAGTATGCCCAAGTTTTCCGTGAACATGCCAACAAATT-3'
Protein context (NP_001894.2, residues 400-420): PLLVLIEAAK[Asn410Ser]GNEKEVKEYA

ClinVar aggregate classification (germline): Uncertain significance. Review status: criteria provided, multiple submitters, no conflicts (2 of 4 stars). 3 submissions from 3 submitters: Uncertain significance (2). 1 of the submissions does not count toward it. Last evaluated 2024-10-06.

Conditions:
Colorectal cancer. Also called: Malignant Colorectal Neoplasm; Colorectal cancer, somatic. Identifiers: MedGen C0346629, MONDO:0005575, OMIM 114500.
Hereditary cancer-predisposing syndrome. Also called: Hereditary neoplastic syndrome; Tumor predisposition; Neoplastic Syndromes, Hereditary; Hereditary Cancer Syndrome. Identifiers: Orphanet 140162, MedGen C0027672, MeSH D009386, MONDO:0015356.

Submissions (3):

Ambry Genetics
Classification: Uncertain significance for Hereditary cancer-predisposing syndrome. Last evaluated: 2024-10-06. Review status: criteria provided, single submitter. Criteria: Ambry Variant Classification Scheme 2023. Collection method: clinical testing. Allele origin: germline.
Comment: The p.N410S variant (also known as c.1229A>G), located in coding exon 8 of the CTNNA1 gene, results from an A to G substitution at nucleotide position 1229. The asparagine at codon 410 is replaced by serine, an amino acid with highly similar properties. This amino acid position is conserved. In addition, this alteration is predicted to be tolerated by in silico analysis. Based on the available evidence, the clinical significance of this variant remains unclear.

Labcorp Genetics (formerly Invitae), Labcorp
Classification: Uncertain significance. Last evaluated: 2023-11-07. Review status: criteria provided, single submitter. Criteria: Invitae Variant Classification Sherloc (09022015). Collection method: clinical testing. Allele origin: germline.
Comment: This sequence change replaces asparagine, which is neutral and polar, with serine, which is neutral and polar, at codon 410 of the CTNNA1 protein (p.Asn410Ser). This variant is not present in population databases (gnomAD no frequency). This variant has not been reported in the literature in individuals affected with CTNNA1-related conditions. ClinVar contains an entry for this variant (Variation ID: 1700590). Advanced modeling of protein sequence and biophysical properties (such as structural, functional, and spatial information, amino acid conservation, physicochemical variation, residue mobility, and thermodynamic stability) performed at Invitae indicates that this missense variant is not expected to disrupt CTNNA1 protein function with a negative predictive value of 80%. In summary, the available evidence is currently insufficient to determine the role of this variant in disease. Therefore, it has been classified as a Variant of Uncertain Significance.

Genomic Center, National Cancer Institute
Classification: Uncertain significance for Colorectal cancer. Review status: no assertion criteria provided. Collection method: case-control. Allele origin: germline. Affected: yes. Not counted in ClinVar's aggregate classification.